The following is an entry in ClinVar:

NM_006767.4(LZTR1):c.1200G>A (p.Met400Ile)

Gene: LZTR1 (leucine zipper like post translational regulator 1; plus strand). Cytogenetic location: 22q11.21.
Variant type: single nucleotide variant.
Coding change: c.1200G>A on transcript NM_006767.4 (MANE Select); coding-DNA position 1200, G replaced by A.
Protein change: p.Met400Ile; replaces methionine 400 with isoleucine.
Molecular consequence: missense variant.
Genome position (GRCh38, 1-based): chr22:20,992,844, G>A. VCF-style: chr22-20992844-G-A. GRCh37 (hg19) VCF-style: chr22-21347133-G-A.
Other names: short protein forms M400I.
Identifiers: ClinVar variation 1747399 (VCV001747399.2), dbSNP rs1157115127, ClinGen allele CA410773856.

ClinVar aggregate classification (germline): Uncertain significance (1 of 4 stars; one submission).

Conditions:
Cardiovascular phenotype. Identifiers: MedGen CN230736.
Hereditary cancer-predisposing syndrome. Also called: Hereditary Cancer Syndrome; Neoplastic Syndromes, Hereditary; Tumor predisposition; Hereditary neoplastic syndrome. Identifiers: Orphanet 140162, MedGen C0027672, MeSH D009386, MONDO:0015356.

Submission:

Ambry Genetics
Classification: Uncertain significance for Cardiovascular phenotype; Hereditary cancer-predisposing syndrome. Last evaluated: 2022-01-15. Review status: criteria provided, single submitter. Criteria: Ambry Variant Classification Scheme 2023. Collection method: clinical testing. Allele origin: germline.
Comment: The p.M400I variant (also known as c.1200G>A), located in coding exon 11 of the LZTR1 gene, results from a G to A substitution at nucleotide position 1200. The methionine at codon 400 is replaced by isoleucine, an amino acid with highly similar properties. This amino acid position is conserved. In addition, the in silico prediction for this alteration is inconclusive. Since supporting evidence is limited at this time, the clinical significance of this alteration remains unclear.